The following is an entry in ClinVar:

ClinVar aggregate classification (germline): Pathogenic/Likely pathogenic. Review status: criteria provided, multiple submitters, no conflicts (2 of 4 stars). 2 submissions from 2 submitters: Pathogenic (1); Likely pathogenic (1). Last evaluated 2023-01-24.

Conditions:
Charcot-Marie-Tooth disease, axonal, type 2EE. Also called: CHARCOT-MARIE-TOOTH NEUROPATHY, TYPE 2EE. Identifiers: MedGen C5193076, MONDO:0032728, OMIM 618400.

Submissions (2):

Baylor Genetics
Classification: Likely pathogenic for Charcot-Marie-Tooth disease, axonal, type 2EE. Last evaluated: 2023-01-24. Review status: criteria provided, single submitter. Criteria: ACMG Guidelines, 2015. Collection method: clinical testing. Allele origin: unknown.

Labcorp Genetics (formerly Invitae), Labcorp
Classification: Pathogenic. Last evaluated: 2022-12-21. Review status: criteria provided, single submitter. Criteria: Invitae Variant Classification Sherloc (09022015). Collection method: clinical testing. Allele origin: germline.
Comment: For these reasons, this variant has been classified as Pathogenic. Algorithms developed to predict the effect of sequence changes on RNA splicing suggest that this variant may disrupt the consensus splice site. This variant has not been reported in the literature in individuals affected with MPV17-related conditions. This variant is not present in population databases (gnomAD no frequency). This sequence change creates a premature translational stop signal (p.Ser34*) in the MPV17 gene. It is expected to result in an absent or disrupted protein product. Loss-of-function variants in MPV17 are known to be pathogenic (PMID: 23714749).

Literature cited by the submitters: PubMed 23714749 (cited by Labcorp Genetics (formerly Invitae), Labcorp).

NM_002437.5(MPV17):c.101C>G (p.Ser34Ter)

Gene: MPV17 (mitochondrial inner membrane protein MPV17; minus strand). Cytogenetic location: 2p23.3.
Variant type: single nucleotide variant.
Coding change: c.101C>G on transcript NM_002437.5 (MANE Select); coding-DNA position 101, C replaced by G.
Protein change: p.Ser34Ter; replaces serine 34 with a stop codon.
Molecular consequence: nonsense.
Genome position (GRCh38, 1-based): chr2:27,313,079, G>C on the plus strand (C>G on the coding strand, the complement: MPV17 is on the minus strand). VCF-style: chr2-27313079-G-C. GRCh37 (hg19) VCF-style: chr2-27535946-G-C.
Other names: short protein forms S34*.
Identifiers: ClinVar variation 2676676 (VCV002676676.4), dbSNP rs2465685275, ClinGen allele CA346209468.